The following is an entry in ClinVar:

NM_015107.3(PHF8):c.635A>G (p.Lys212Arg)

Gene: PHF8 (PHD finger protein 8; minus strand). Cytogenetic location: Xp11.22.
Variant type: single nucleotide variant.
Coding change: c.635A>G on transcript NM_015107.3 (MANE Select); coding-DNA position 635, A replaced by G.
Protein change: p.Lys212Arg; replaces lysine 212 with arginine.
Molecular consequence: missense variant.
Genome position (GRCh38, 1-based): chrX:54,014,525, T>C on the plus strand (A>G on the coding strand, the complement: PHF8 is on the minus strand). VCF-style: chrX-54014525-T-C. GRCh37 (hg19) VCF-style: chrX-54040958-T-C.
Other names: c.743A>G, p.Lys248Arg (NM_001184896.1); c.635A>G, p.Lys212Arg (NM_001184897.2, NM_001184898.2); short protein forms K212R, K248R.
Identifiers: ClinVar variation 588957 (VCV000588957.5), dbSNP rs1232258803, ClinGen allele CA413243126.

ClinVar aggregate classification (germline): Uncertain significance (1 of 4 stars; one submission).

Conditions:
Inborn genetic diseases. Identifiers: MedGen C0950123, MeSH D030342.

Allele frequency attached by ClinVar (database versions not stated): gnomAD exomes 0.00002; gnomAD 0.00003; TOPMed 0.00003.

Submission:

Ambry Genetics
Classification: Uncertain significance for Inborn genetic diseases. Last evaluated: 2017-04-13. Review status: criteria provided, single submitter. Criteria: Ambry Variant Classification Scheme 2023. Collection method: clinical testing. Allele origin: germline.
Comment: The p.K212R variant (also known as c.635A>G), located in coding exon 6 of the PHF8 gene, results from an A to G substitution at nucleotide position 635. The lysine at codon 212 is replaced by arginine, an amino acid with highly similar properties. This amino acid position is highly conserved in available vertebrate species. In addition, this alteration is predicted to be tolerated by in silico analysis. Since supporting evidence is limited at this time, the clinical significance of this alteration remains unclear.